The following is an entry in ClinVar:

ClinVar aggregate classification (germline): Uncertain significance. Review status: criteria provided, single submitter (1 of 4 stars). 2 submissions from 2 submitters: Uncertain significance (1). 1 of the submissions does not count toward it. Last evaluated 2021-09-01.

Conditions:
Long chain 3-hydroxyacyl-CoA dehydrogenase deficiency. Also called: LCHAD Deficiency; Deficiency of long-chain 3-hydroxyacyl-coenzyme A dehydrogenase. Identifiers: Orphanet 5, MedGen C3711645, MONDO:0012173, OMIM 609016.
Deficiency of hydroxymethylglutaryl-CoA lyase (HMGCLD). Also called: HMGCL DEFICIENCY; HYDROXYMETHYLGLUTARIC ACIDURIA; HMG-CoA LYASE DEFICIENCY; Defect in leucine metabolism; 3-hydroxy-3-methylglutaric aciduria. Identifiers: Orphanet 20, MedGen C1533587, MONDO:0009520, OMIM 246450.

gnomAD v4.1: 1 of 1,614,012 alleles (0.000062%); highest among the groups gnomAD compares: South Asian, 0.0011%; no homozygotes.

Submissions (2):

Labcorp Genetics (formerly Invitae), Labcorp
Classification: Uncertain significance for Deficiency of hydroxymethylglutaryl-CoA lyase. Last evaluated: 2021-09-01. Review status: criteria provided, single submitter. Criteria: Invitae Variant Classification Sherloc (09022015). Collection method: clinical testing. Allele origin: germline.
Comment: This sequence change replaces alanine with serine at codon 272 of the HMGCL protein (p.Ala272Ser). The alanine residue is highly conserved and there is a moderate physicochemical difference between alanine and serine. This variant is not present in population databases (ExAC no frequency). This variant has not been reported in the literature in individuals affected with HMGCL-related conditions. Algorithms developed to predict the effect of missense changes on protein structure and function (SIFT, PolyPhen-2, Align-GVGD) all suggest that this variant is likely to be disruptive. In summary, the available evidence is currently insufficient to determine the role of this variant in disease. Therefore, it has been classified as a Variant of Uncertain Significance.

Natera, Inc.
Classification: Uncertain significance for Deficiency of long-chain 3-hydroxyacyl-coenzyme A dehydrogenase. Last evaluated: 2021-08-03. Review status: no assertion criteria provided. Collection method: clinical testing. Allele origin: germline. Not counted in ClinVar's aggregate classification.

NM_000191.3(HMGCL):c.814G>T (p.Ala272Ser)

Gene: HMGCL (3-hydroxy-3-methylglutaryl-CoA lyase; minus strand). Cytogenetic location: 1p36.11.
Variant type: single nucleotide variant.
Coding change: c.814G>T on transcript NM_000191.3 (MANE Select); coding-DNA position 814, G replaced by T.
Protein change: p.Ala272Ser; replaces alanine 272 with serine.
Molecular consequence: missense variant.
Genome position (GRCh38, 1-based): chr1:23,804,462, C>A on the plus strand (G>T on the coding strand, the complement: HMGCL is on the minus strand). VCF-style: chr1-23804462-C-A. GRCh37 (hg19) VCF-style: chr1-24130952-C-A.
Other names: c.601G>T, p.Ala201Ser (NM_001166059.2); short protein forms A201S, A272S.
Identifiers: ClinVar variation 1061122 (VCV001061122.7), dbSNP rs1638363983, ClinGen allele CA339021100.